The following is an entry in ClinVar:

NM_006766.5(KAT6A):c.4741A>G (p.Ser1581Gly)

Gene: KAT6A (lysine acetyltransferase 6A; minus strand). Cytogenetic location: 8p11.21.
Variant type: single nucleotide variant.
Coding change: c.4741A>G on transcript NM_006766.5 (MANE Select); coding-DNA position 4741, A replaced by G.
Protein change: p.Ser1581Gly; replaces serine 1581 with glycine.
Molecular consequence: missense variant.
Genome position (GRCh38, 1-based): chr8:41,933,479, T>C on the plus strand (A>G on the coding strand, the complement: KAT6A is on the minus strand). VCF-style: chr8-41933479-T-C. GRCh37 (hg19) VCF-style: chr8-41790997-T-C.
Other names: short protein forms S1581G.
Identifiers: ClinVar variation 4891167 (VCV004891167.1).

ClinVar aggregate classification (germline): Uncertain significance (1 of 4 stars; one submission).

Submission:

Greenwood Genetic Center Diagnostic Laboratories, Greenwood Genetic Center
Classification: Uncertain significance. Last evaluated: 2026-06-22. Review status: criteria provided, single submitter. Criteria: ACMG Guidelines, 2015. Collection method: clinical testing. Allele origin: germline.
Comment: PM2, PP2